The following is an entry in ClinVar:

ClinVar aggregate classification (germline): Uncertain significance (1 of 4 stars; one submission).

Allele frequency attached by ClinVar (database versions not stated): gnomAD exomes below 0.00001; TOPMed below 0.00001; ESP Exome Variant Server 0.00008.
gnomAD v4.1: 4 of 1,614,140 alleles (0.00025%); highest among the groups gnomAD compares: Non-Finnish European, 0.00034%; no homozygotes.

Submission:

Labcorp Genetics (formerly Invitae), Labcorp
Classification: Uncertain significance. Last evaluated: 2022-03-01. Review status: criteria provided, single submitter. Criteria: Invitae Variant Classification Sherloc (09022015). Collection method: clinical testing. Allele origin: germline.
Comment: This variant has not been reported in the literature in individuals affected with SEC61A1-related conditions. This variant is not present in population databases (gnomAD no frequency). This sequence change replaces threonine, which is neutral and polar, with alanine, which is neutral and non-polar, at codon 203 of the SEC61A1 protein (p.Thr203Ala). Algorithms developed to predict the effect of missense changes on protein structure and function are either unavailable or do not agree on the potential impact of this missense change (SIFT: "Deleterious"; PolyPhen-2: "Benign"; Align-GVGD: "Class C0"). In summary, the available evidence is currently insufficient to determine the role of this variant in disease. Therefore, it has been classified as a Variant of Uncertain Significance.

NM_013336.4(SEC61A1):c.607A>G (p.Thr203Ala)

Gene: SEC61A1 (SEC61 translocon subunit alpha 1; plus strand). Cytogenetic location: 3q21.3.
Variant type: single nucleotide variant.
Coding change: c.607A>G on transcript NM_013336.4 (MANE Select); coding-DNA position 607, A replaced by G.
Protein change: p.Thr203Ala; replaces threonine 203 with alanine.
Molecular consequence: missense variant.
Genome position (GRCh38, 1-based): chr3:128,060,652, A>G. VCF-style: chr3-128060652-A-G. GRCh37 (hg19) VCF-style: chr3-127779495-A-G.
Other names: c.625A>G, p.Thr209Ala (NM_001400328.1); c.448A>G, p.Thr150Ala (NM_001400329.1); short protein forms T209A, T150A, T203A.
Identifiers: ClinVar variation 1952174 (VCV001952174.5), dbSNP rs146409878, ClinGen allele CA83353387.